The following is an entry in ClinVar:

ClinVar aggregate classification (germline): Benign. Review status: reviewed by expert panel (3 of 4 stars). 32 submissions from 30 submitters: Benign (1). 31 of the submissions do not count toward it. Last evaluated 2015-01-12.
ClinVar aggregate classification (somatic clinical impact): Tier IV - Benign/Likely benign (0 of 4 stars; one submission).

Conditions:
Hereditary breast ovarian cancer syndrome. Also called: Hereditary breast and ovarian cancer syndrome; Hereditary breast and ovarian cancer syndrome (HBOC); Breast and ovarian cancer; BRCA1- and BRCA2-Associated Hereditary Breast and Ovarian Cancer; Hereditary breast and ovarian cancer; Hereditary breast and/or ovarian cancer syndrome. Identifiers: Orphanet 145, MedGen C0677776, MeSH D061325, MONDO:0003582. Disease mechanism: loss of function.
Fanconi anemia complementation group D1. Also called: BRCA2-Related Fanconi Anemia. Identifiers: Orphanet 319462, MedGen C1838457, MONDO:0011584, OMIM 605724.
Breast-ovarian cancer, familial, susceptibility to, 2 (BROVCA2). Also called: BRCA2 Hereditary Breast and Ovarian Cancer. Identifiers: Orphanet 145, MedGen C2675520, MONDO:0012933, OMIM 612555. Disease mechanism: loss of function.
Familial cancer of breast. Also called: hereditary breast carcinoma; Hereditary breast cancer; BREAST CANCER, FAMILIAL. Identifiers: Orphanet 227535, MedGen C0346153, MONDO:0016419, OMIM 114480. Disease mechanism: loss of function.
Hereditary cancer-predisposing syndrome. Also called: Tumor predisposition; Hereditary neoplastic syndrome; Neoplastic Syndromes, Hereditary; Hereditary Cancer Syndrome. Identifiers: Orphanet 140162, MedGen C0027672, MeSH D009386, MONDO:0015356.

Allele frequency attached by ClinVar (database versions not stated): ESP Exome Variant Server 0.21136; TOPMed 0.21874; 1000 Genomes Project 30x 0.22689; 1000 Genomes Project 0.23263.
gnomAD v4.1: 357,391 of 1,613,446 alleles (22%); highest among the groups gnomAD compares: East Asian, 43%; 41,275 homozygotes.

Submissions 1 to 20 of 33:

Evidence-based Network for the Interpretation of Germline Mutant Alleles (ENIGMA)
Classification: Benign for Breast-ovarian cancer, familial 2. Last evaluated: 2015-01-12. Review status: reviewed by expert panel. Criteria: ENIGMA BRCA1/2 Classification Criteria (2015). Collection method: curation. Allele origin: germline.
Comment: Class 1 not pathogenic based on frequency >1% in an outbred sampleset. Frequency 0.3864 (Asian), 0.1585 (African), 0.219 (European), derived from 1000 genomes (2012-04-30).

Labcorp Genetics (formerly Invitae), Labcorp
Classification: Benign for Hereditary breast ovarian cancer syndrome. Last evaluated: 2026-02-04. Review status: criteria provided, single submitter. Criteria: Invitae Variant Classification Sherloc (09022015). Collection method: clinical testing. Allele origin: germline. Not counted in ClinVar's aggregate classification.

ARUP Laboratories, Molecular Genetics and Genomics, ARUP Laboratories
Classification: Benign. Last evaluated: 2025-07-31. Review status: criteria provided, single submitter. Criteria: ARUP Molecular Germline Variant Investigation Process 2024. Collection method: clinical testing. Allele origin: germline. Not counted in ClinVar's aggregate classification.

KCCC/NGS Laboratory, Kuwait Cancer Control Center
Classification: Benign for Familial cancer of breast. Last evaluated: 2025-02-01. Review status: criteria provided, single submitter. Criteria: ACMG Guidelines, 2015. Collection method: clinical testing. Allele origin: germline. Affected: no. Not counted in ClinVar's aggregate classification.

Blueprint Genetics
Classification: Benign. Last evaluated: 2024-11-27. Review status: criteria provided, single submitter. Criteria: ACMG Guidelines, 2015. Collection method: clinical testing. Allele origin: germline. Not counted in ClinVar's aggregate classification.

KCCC/NGS Laboratory, Kuwait Cancer Control Center
Classification: Benign for Breast-ovarian cancer, familial, susceptibility to, 2. Last evaluated: 2023-07-07. Review status: criteria provided, single submitter. Criteria: ACMG Guidelines, 2015. Collection method: clinical testing. Allele origin: germline. Affected: yes. Not counted in ClinVar's aggregate classification.

National Health Laboratory Service, Universitas Academic Hospital and University of the Free State
Classification: Benign for Hereditary breast ovarian cancer syndrome. Last evaluated: 2022-04-19. Review status: criteria provided, single submitter. Criteria: ACMG Guidelines, 2015. Collection method: clinical testing. Allele origin: germline. Affected: yes. Observed: 382 variant alleles. Not counted in ClinVar's aggregate classification.

Genetics Program, Instituto Nacional de Cancer
Classification: Benign for Hereditary breast ovarian cancer syndrome. Last evaluated: 2021-11-01. Review status: criteria provided, single submitter. Criteria: ACMG Guidelines, 2015. Collection method: research. Allele origin: germline. Affected: yes. Not counted in ClinVar's aggregate classification.

Illumina Laboratory Services, Illumina
Classification: Benign for Breast-ovarian cancer, familial, susceptibility to, 2. Last evaluated: 2018-01-13. Review status: criteria provided, single submitter. Criteria: ICSL Variant Classification Criteria 13 December 2019. Collection method: clinical testing. Allele origin: germline. Not counted in ClinVar's aggregate classification.
Comment: This variant was observed in the ICSL laboratory as part of a predisposition screen in an ostensibly healthy population. It had not been previously curated by ICSL or reported in the Human Gene Mutation Database (HGMD: prior to June 1st, 2018), and was therefore a candidate for classification through an automated scoring system. Utilizing variant allele frequency, disease prevalence and penetrance estimates, and inheritance mode, an automated score was calculated to assess if this variant is too frequent to cause the disease. Based on the score and internal cut-off values, a variant classified as benign is not then subjected to further curation. The score for this variant resulted in a classification of benign for this disease.

Illumina Laboratory Services, Illumina
Classification: Benign for Fanconi anemia complementation group D1. Last evaluated: 2018-01-13. Review status: criteria provided, single submitter. Criteria: ICSL Variant Classification Criteria 13 December 2019. Collection method: clinical testing. Allele origin: germline. Not counted in ClinVar's aggregate classification.
Comment: the same text as in the submission from Illumina Laboratory Services, Illumina above.

GeneKor MSA
Classification: Benign. Last evaluated: 2017-11-01. Review status: criteria provided, single submitter. Criteria: ACMG Guidelines, 2015. Collection method: clinical testing. Allele origin: germline. Affected: yes. Not counted in ClinVar's aggregate classification.

Cancer Genetics and Genomics Laboratory, British Columbia Cancer Agency
Classification: Benign. Last evaluated: 2017-04-18. Review status: criteria provided, single submitter. Criteria: ACMG Guidelines, 2015. Collection method: clinical testing. Allele origin: germline. Study: The Canadian Open Genetics Repository (COGR). Not counted in ClinVar's aggregate classification.

Baylor Genetics
Classification: Benign for Familial cancer of breast. Last evaluated: 2017-02-23. Review status: criteria provided, single submitter. Criteria: ACMG Guidelines, 2015. Collection method: clinical testing. Allele origin: germline. Inheritance: Autosomal dominant inheritance. Affected: no. Not counted in ClinVar's aggregate classification.

Laboratory for Molecular Medicine, Mass General Brigham Personalized Medicine
Classification: Benign. Last evaluated: 2016-05-23. Review status: criteria provided, single submitter. Criteria: LMM Criteria. Collection method: clinical testing. Allele origin: germline. Observed: 1 variant allele. Not counted in ClinVar's aggregate classification.
Comment: p.Ser2414Ser in exon 14 of BRCA2: This variant is not expected to have clinical significance because it does not alter an amino acid residue, is not located wit hin the splice consensus sequence, and has been identified in 38.47% (3323/8638) of East Asian chromosomes by the Exome Aggregation Consortium (ExAC; dbSNP rs1799955).

Eurofins Ntd Llc (ga)
Classification: Benign. Last evaluated: 2016-01-07. Review status: criteria provided, single submitter. Criteria: EGL Classification Definitions 2015. Collection method: clinical testing. Allele origin: germline. Observed: 151 variant alleles, 135 heterozygotes, 16 homozygotes. Not counted in ClinVar's aggregate classification.

Clinical Genetics DNA and cytogenetics Diagnostics Lab, Erasmus MC, Erasmus Medical Center
Classification: Benign for Breast-ovarian cancer, familial, susceptibility to, 2. Last evaluated: 2015-09-21. Review status: criteria provided, single submitter. Criteria: ACGS Guidelines, 2013. Collection method: clinical testing. Allele origin: germline. Affected: yes. Study: VKGL Data-share Consensus. Not counted in ClinVar's aggregate classification.

Color Diagnostics, LLC DBA Color Health
Classification: Benign for Hereditary cancer-predisposing syndrome. Last evaluated: 2015-03-31. Review status: criteria provided, single submitter. Criteria: ACMG Guidelines, 2015. Collection method: clinical testing. Allele origin: germline. Not counted in ClinVar's aggregate classification.

Ambry Genetics
Classification: Benign for Hereditary cancer-predisposing syndrome. Last evaluated: 2014-11-19. Review status: criteria provided, single submitter. Criteria: Ambry Variant Classification Scheme 2023. Collection method: clinical testing. Allele origin: germline. Not counted in ClinVar's aggregate classification.

Molecular Genetics Laboratory, University of Michigan
Classification: Benign for Breast-ovarian cancer, familial, susceptibility to, 2. Last evaluated: 2014-11-03. Review status: criteria provided, single submitter. Criteria: ACMG Guidelines, 2015. Collection method: clinical testing. Allele origin: germline. Affected: yes. Not counted in ClinVar's aggregate classification.

Genome Diagnostics Laboratory, University Medical Center Utrecht
Classification: Benign for Breast-ovarian cancer, familial, susceptibility to, 2. Last evaluated: 2014-10-10. Review status: criteria provided, single submitter. Criteria: ACGS Guidelines, 2013. Collection method: clinical testing. Allele origin: germline. Affected: yes. Study: VKGL Data-share Consensus. Not counted in ClinVar's aggregate classification.

NM_000059.4(BRCA2):c.7242A>G (p.Ser2414=)

Gene: BRCA2 (BRCA2 DNA repair associated; plus strand). Cytogenetic location: 13q13.1.
Variant type: single nucleotide variant.
Coding change: c.7242A>G on transcript NM_000059.4 (MANE Select); coding-DNA position 7242, A replaced by G.
Protein change: p.Ser2414=; no amino-acid change (serine 2414 retained).
Molecular consequence: synonymous variant.
Genome position (GRCh38, 1-based): chr13:32,355,095, A>G. VCF-style: chr13-32355095-A-G. GRCh37 (hg19) VCF-style: chr13-32929232-A-G.
Other names: 7470A/G; S2414S; 7470 A>G; NP_000050.3:p.Ser2414=; 7470A>G.
Identifiers: ClinVar variation 126133 (VCV000126133.93), dbSNP rs1799955, ClinGen allele CA024992.
Genomic context (GRCh38, chr13:32,355,095, plus strand): 5'-ACACTTGATTACTACAGGCAGACCAACCAAAGTCTTTGTTCCACCTTTTAAAACTAAATC[A>G]CATTTTCACAGAGTTGAACAGTGTGTTAGGAATATTAACTTGGAGGAAAACAGACAAAAG-3'
Protein context (NP_000050.3, residues 2404-2424): KVFVPPFKTK[Ser2414=]HFHRVEQCVR